The following is an entry in ClinVar:

NM_001376571.1(MADD):c.1441G>A (p.Asp481Asn)

Gene: MADD (MAP kinase activating death domain; plus strand). Cytogenetic location: 11p11.2.
Variant type: single nucleotide variant.
Coding change: c.1441G>A on transcript NM_001376571.1 (MANE Select); coding-DNA position 1441, G replaced by A.
Protein change: p.Asp481Asn; replaces aspartic acid 481 with asparagine.
Molecular consequence: missense variant. On other transcripts: non-coding transcript variant (8).
Genome position (GRCh38, 1-based): chr11:47,281,725, G>A. VCF-style: chr11-47281725-G-A. GRCh37 (hg19) VCF-style: chr11-47303276-G-A.
Other names: c.1441G>A, p.Asp481Asn (NM_001135943.2, NM_001135944.2, NM_001376572.1 and 80 more transcripts); c.1237G>A, p.Asp413Asn (NM_001376620.1, NM_001376626.1, NM_001376627.1 and 9 more transcripts); c.775G>A, p.Asp259Asn (NM_001376663.1); short protein forms D259N, D413N, D481N.
Identifiers: ClinVar variation 2662411 (VCV002662411.1), dbSNP rs1288728896, ClinGen allele CA380328598.

ClinVar aggregate classification (germline): Uncertain significance (1 of 4 stars; one submission).

Allele frequency attached by ClinVar (database versions not stated): gnomAD exomes below 0.00001; TOPMed 0.00001.

Submission:

GeneDx
Classification: Uncertain significance. Last evaluated: 2023-04-06. Review status: criteria provided, single submitter. Criteria: GeneDx Variant Classification Process June 2021. Collection method: clinical testing. Allele origin: germline. Affected: yes.
Comment: Not observed at significant frequency in large population cohorts (gnomAD); In silico analysis supports that this missense variant has a deleterious effect on protein structure/function; Has not been previously published as pathogenic or benign to our knowledge